The following is an entry in ClinVar:

ClinVar aggregate classification (germline): Uncertain significance (1 of 4 stars; one submission).

Conditions:
Autism, susceptibility to, 16. Also called: AUTISM WITH OR WITHOUT SEIZURES; Autism susceptibility 16. Identifiers: MedGen C3150677, MONDO:0013258, OMIM 613410.

Submission:

New York Genome Center
Classification: Uncertain significance for Autism, susceptibility to, 16. Last evaluated: 2019-09-13. Review status: criteria provided, single submitter. Criteria: NYGC Assertion Criteria 2020. Collection method: clinical testing. Allele origin: germline. Inheritance: Autosomal dominant inheritance. Observed: 1 heterozygote. Study: CSER-NYCKidSeq.
Comment: The c.1203+1G>A (p.?) variant identified in the SLC9A9 gene is a canonical splice variant at the splice donor site of intron 10/15. The cytosine at c.1203+1 is completely conserved across all species. This variant is absent from gnomAD and ExAC, suggesting it is not a common benign variant in the populations represented in these databases. Human Splicing Finder suggests this variant leads to a broken WT donor splice site, most probably affecting splicing. This variant is absent from ClinVar and to our current knowledge has not been reported in individulas in the literature, although nonsense variants, single exon deletions, and whole gene deletions have been implicated in individuals with autism and epilepsy [PMID: 18621663; PMID: 27123481; PMID: 25002837]. While its position at a canonical splice position and absence in population database is compelling evidence for the pathogenicity of the c.1203+1G>A variant identified in the SLC9A9 gene, the few patients reported in the literature with deleterious variants in this gene and questionable phenotypic overlap in this individual leads to some uncertainty regarding its pathogenicity. It is thus reported here as a Variant of Uncertian Significance.

NM_173653.4(SLC9A9):c.1203+1G>A

Gene: SLC9A9 (solute carrier family 9 member A9; minus strand). Cytogenetic location: 3q24.
Variant type: single nucleotide variant.
Coding change: c.1203+1G>A on transcript NM_173653.4 (MANE Select); the canonical splice donor site of the intron after coding-DNA position 1203, G replaced by A.
Molecular consequence: splice donor variant.
Genome position (GRCh38, 1-based): chr3:143,495,334, C>T on the plus strand (G>A on the coding strand, the complement: SLC9A9 is on the minus strand). VCF-style: chr3-143495334-C-T. GRCh37 (hg19) VCF-style: chr3-143214176-C-T.
Identifiers: ClinVar variation 996870 (VCV000996870.1), dbSNP rs2035814212, ClinGen allele CA354872355.